The following is an entry in ClinVar:

NM_033380.3(COL4A5):c.2785G>A (p.Gly929Ser)

Gene: COL4A5 (collagen type IV alpha 5 chain; plus strand). Cytogenetic location: Xq22.3.
Variant type: single nucleotide variant.
Coding change: c.2785G>A on transcript NM_033380.3 (MANE Select); coding-DNA position 2785, G replaced by A.
Protein change: p.Gly929Ser; replaces glycine 929 with serine.
Molecular consequence: missense variant.
Genome position (GRCh38, 1-based): chrX:108,622,693, G>A. VCF-style: chrX-108622693-G-A. GRCh37 (hg19) VCF-style: chrX-107865923-G-A.
Other names: c.2785G>A, p.Gly929Ser (NM_000495.5); short protein forms G929S.
Identifiers: ClinVar variation 2149550 (VCV002149550.6), dbSNP rs2067079746, ClinGen allele CA413852572.

ClinVar aggregate classification (germline): Likely pathogenic. Review status: criteria provided, multiple submitters, no conflicts (2 of 4 stars). 2 submissions from 2 submitters: Likely pathogenic (2). Last evaluated 2026-05-11.

Conditions:
X-linked Alport syndrome (ATS1). Also called: COL4A5-Related Nephropathy; NEPHROPATHY AND DEAFNESS, X-LINKED. Identifiers: Orphanet 63, Orphanet 88917, MedGen C4746986, MONDO:0010520, OMIM 301050.

Allele frequency attached by ClinVar (database versions not stated): gnomAD exomes below 0.00001.
gnomAD v4.1: 1 of 1,211,205 alleles (0.000083%); highest among the groups gnomAD compares: Non-Finnish European, 0.00011%; no homozygotes.

Submissions (2):

Women's Health and Genetics/Laboratory Corporation of America, LabCorp
Classification: Likely pathogenic for X-linked Alport syndrome. Last evaluated: 2026-05-11. Review status: criteria provided, single submitter. Criteria: LabCorp Variant Classification Summary - May 2015. Collection method: clinical testing. Allele origin: germline.
Comment: Variant summary: COL4A5 c.2785G>A (p.Gly929Ser) results in a non-conservative amino acid change in the encoded protein sequence. Algorithms developed to predict the effect of missense changes on protein structure and function all suggest that this variant is likely to be disruptive. This variant disrupts the triple helix domain of COL4A5. Glycine residues within the Gly-Xaa-Yaa repeats of the triple helix domain are required for the structure and stability of fibrillar collagens (PMID: 7695699, 8218237, 19344236). The variant was absent in 182976 control chromosomes (gnomAD). To our knowledge, no occurrence of c.2785G>A in individuals affected with COL4A5-related conditions and no experimental evidence demonstrating its impact on protein function has been reported. ClinVar contains an entry for this variant (Variation ID: 2149550). Based on the evidence outlined above, the variant was classified as likely pathogenic.

Labcorp Genetics (formerly Invitae), Labcorp
Classification: Likely pathogenic. Last evaluated: 2024-12-12. Review status: criteria provided, single submitter. Criteria: Invitae Variant Classification Sherloc (09022015). Collection method: clinical testing. Allele origin: germline.
Comment: This sequence change replaces glycine, which is neutral and non-polar, with serine, which is neutral and polar, at codon 929 of the COL4A5 protein (p.Gly929Ser). This variant is not present in population databases (gnomAD no frequency). This variant has not been reported in the literature in individuals affected with COL4A5-related conditions. ClinVar contains an entry for this variant (Variation ID: 2149550). Invitae Evidence Modeling of protein sequence and biophysical properties (such as structural, functional, and spatial information, amino acid conservation, physicochemical variation, residue mobility, and thermodynamic stability) indicates that this missense variant is expected to disrupt COL4A5 protein function with a positive predictive value of 95%. This variant disrupts the triple helix domain of COL4A5. Glycine residues within the Gly-Xaa-Yaa repeats of the triple helix domain are required for the structure and stability of fibrillar collagens (PMID: 7695699, 8218237, 19344236). In COL4A5, missense variants at these glycine residues are significantly enriched in individuals with disease (PMID: 23720012, 27627812) compared to the general population (ExAC). In summary, the currently available evidence indicates that the variant is pathogenic, but additional data are needed to prove that conclusively. Therefore, this variant has been classified as Likely Pathogenic.

Literature cited by the submitters: PubMed 7695699 (cited by Labcorp Genetics (formerly Invitae), Labcorp); PubMed 8218237 (cited by Labcorp Genetics (formerly Invitae), Labcorp); PubMed 19344236 (cited by Labcorp Genetics (formerly Invitae), Labcorp); PubMed 23720012 (cited by Labcorp Genetics (formerly Invitae), Labcorp); PubMed 27627812 (cited by Labcorp Genetics (formerly Invitae), Labcorp).